The following is an entry in ClinVar:

ClinVar aggregate classification (germline): Uncertain significance (1 of 4 stars; one submission).

Allele frequency attached by ClinVar (database versions not stated): gnomAD exomes 0.00001 and 0.00002; ExAC 0.00002.

Submission:

Labcorp Genetics (formerly Invitae), Labcorp
Classification: Uncertain significance. Last evaluated: 2024-08-13. Review status: criteria provided, single submitter. Criteria: Invitae Variant Classification Sherloc (09022015). Collection method: clinical testing. Allele origin: germline.
Comment: This sequence change replaces proline, which is neutral and non-polar, with serine, which is neutral and polar, at codon 69 of the COX6A1 protein (p.Pro69Ser). This variant is present in population databases (rs780266939, gnomAD 0.003%). This variant has not been reported in the literature in individuals affected with COX6A1-related conditions. ClinVar contains an entry for this variant (Variation ID: 1357863). An algorithm developed to predict the effect of missense changes on protein structure and function outputs the following: PolyPhen-2: "Probably Damaging". The serine amino acid residue is found in multiple mammalian species, which suggests that this missense change does not adversely affect protein function. In summary, the available evidence is currently insufficient to determine the role of this variant in disease. Therefore, it has been classified as a Variant of Uncertain Significance.

NM_004373.4(COX6A1):c.205C>T (p.Pro69Ser)

Gene: COX6A1 (cytochrome c oxidase subunit 6A1; plus strand). Cytogenetic location: 12q24.31.
Variant type: single nucleotide variant.
Coding change: c.205C>T on transcript NM_004373.4 (MANE Select); coding-DNA position 205, C replaced by T.
Protein change: p.Pro69Ser; replaces proline 69 with serine.
Molecular consequence: missense variant.
Genome position (GRCh38, 1-based): chr12:120,438,480, C>T. VCF-style: chr12-120438480-C-T. GRCh37 (hg19) VCF-style: chr12-120876283-C-T.
Other names: short protein forms P69S.
Identifiers: ClinVar variation 1357863 (VCV001357863.6), dbSNP rs780266939, ClinGen allele CA6828026.
Genomic context (GRCh38, chr12:120,438,480, plus strand): 5'-GGGGTGGCAGTCAGCATGCTGAATGTGTACCTGAAGTCGCACCACGGAGAGCACGAGAGA[C>T]CCGAGTTCATCGCCTACCCCCATCTCCGCATCAGGACCAAGGTACGCCCTTGTACATCTC-3'
Protein context (NP_004364.2, residues 59-79): LKSHHGEHER[Pro69Ser]EFIAYPHLRI